The following is an entry in ClinVar:

NM_001127178.3(PIGG):c.883G>T (p.Ala295Ser)

Gene: PIGG (phosphatidylinositol glycan anchor biosynthesis class G (EMM blood group); plus strand). Cytogenetic location: 4p16.3.
Variant type: single nucleotide variant.
Coding change: c.883G>T on transcript NM_001127178.3 (MANE Select); coding-DNA position 883, G replaced by T.
Protein change: p.Ala295Ser; replaces alanine 295 with serine.
Molecular consequence: missense variant. On other transcripts: 5 prime UTR variant (3), non-coding transcript variant (10), intron variant (1).
Genome position (GRCh38, 1-based): chr4:508,952, G>T. VCF-style: chr4-508952-G-T. GRCh37 (hg19) VCF-style: chr4-502741-G-T.
Other names: c.616G>T, p.Ala206Ser (NM_001289051.2, NM_001289053.2, NM_001289057.2 and 2 more transcripts); c.484G>T, p.Ala162Ser (NM_001289052.2); c.517G>T, p.Ala173Ser (NM_001289055.2); c.883G>T, p.Ala295Ser (NM_001345989.2, NM_017733.5); c.-743G>T (NM_001345990.2); c.-605G>T (NM_001345991.2); c.-330G>T (NM_001345994.2); c.-129+1359G>T (NM_001345988.2); short protein forms A295S, A173S, A162S, A206S.
Identifiers: ClinVar variation 476354 (VCV000476354.30), dbSNP rs201853289, ClinGen allele CA2793126.
Genomic context (GRCh38, chr4:508,952, plus strand): 5'-GGAAGTCACGGGGCCTCCTCCACCGAGGAGGTGAATACACCTCTGATTTTAATCAGTTCT[G>T]CGTTTGAAAGGAAACCCGGTGAGAATTTAGGAATGTTAACAGTTGGAAATTGTATTACAT-3'
Protein context (NP_001120650.1, residues 285-305): VNTPLILISS[Ala295Ser]FERKPGDIRH

ClinVar aggregate classification (germline): Benign/Likely benign. Review status: criteria provided, multiple submitters, no conflicts (2 of 4 stars). 3 submissions from 3 submitters: Benign (2); Likely benign (1). Last evaluated 2025-12-26.

Conditions:
Intellectual disability, autosomal recessive 53 (NEDHSCA). Also called: GLYCOSYLPHOSPHATIDYLINOSITOL BIOSYNTHESIS DEFECT 13; Mental retardation, autosomal recessive 53; NEURODEVELOPMENTAL DISORDER WITH OR WITHOUT HYPOTONIA, SEIZURES, AND CEREBELLAR ATROPHY. Identifiers: Orphanet 488635, MedGen C4310794, MONDO:0014832, OMIM 616917.

Allele frequency attached by ClinVar (database versions not stated): gnomAD 0.00004 and 0.00058; TOPMed 0.00021; gnomAD exomes 0.00091 and 0.00188; ExAC 0.00223; 1000 Genomes Project 0.00359; 1000 Genomes Project 30x 0.00359.

Submissions (4):

Labcorp Genetics (formerly Invitae), Labcorp
Classification: Benign for Intellectual disability, autosomal recessive 53. Last evaluated: 2025-12-26. Review status: criteria provided, single submitter. Criteria: Invitae Variant Classification Sherloc (09022015). Collection method: clinical testing. Allele origin: germline.

CeGaT Center for Human Genetics Tuebingen
Classification: Benign. Last evaluated: 2024-08-01. Review status: criteria provided, single submitter. Criteria: CeGaT Center For Human Genetics Tuebingen Variant Classification Criteria Version 2. Collection method: clinical testing. Allele origin: germline. Affected: yes. Observed: 1 variant allele.
Comment: PIGG: BP4, BS1, BS2

GeneDx
Classification: Likely benign. Last evaluated: 2024-06-18. Review status: criteria provided, single submitter. Criteria: GeneDx Variant Classification Process June 2021. Collection method: clinical testing. Allele origin: germline. Affected: yes.
Comment: See Variant Classification Assertion Criteria.

Dr. Peter K. Rogan Lab, Western University
No classification provided (evidence only). Condition: Hepatocellular carcinoma. Review status: no classification provided. Collection method: in vitro. Allele origin: not applicable. Functional consequence: retained intron. Not counted in ClinVar's aggregate classification.